The following is an entry in ClinVar:

NM_000038.6(APC):c.4637A>G (p.Asn1546Ser)

Gene: APC (APC regulator of Wnt signaling pathway; plus strand). Cytogenetic location: 5q22.2.
Variant type: single nucleotide variant.
Coding change: c.4637A>G on transcript NM_000038.6 (MANE Select); coding-DNA position 4637, A replaced by G.
Protein change: p.Asn1546Ser; replaces asparagine 1546 with serine.
Molecular consequence: missense variant.
Genome position (GRCh38, 1-based): chr5:112,840,231, A>G. VCF-style: chr5-112840231-A-G. GRCh37 (hg19) VCF-style: chr5-112175928-A-G.
Other names: c.4637A>G, p.Asn1546Ser (NM_001127510.3, NM_001354895.2, NM_001407450.1); c.4583A>G, p.Asn1528Ser (NM_001127511.3); c.4691A>G, p.Asn1564Ser (NM_001354896.2, NM_001407447.1, NM_001407448.1 and 1 more transcripts); c.4667A>G, p.Asn1556Ser (NM_001354897.2); c.4562A>G, p.Asn1521Ser (NM_001354898.2); c.4553A>G, p.Asn1518Ser (NM_001354899.2); c.4514A>G, p.Asn1505Ser (NM_001354900.2); c.4460A>G, p.Asn1487Ser (NM_001354901.2, NM_001407453.1); and 11 more; short protein forms N1386S, N1445S, N1455S, N1521S, N1536S, N1546S, N1505S, N1518S.
Identifiers: ClinVar variation 2167776 (VCV002167776.4), dbSNP rs2149919691, ClinGen allele CA16031491.
Genomic context (GRCh38, chr5:112,840,231, plus strand): 5'-CTCCAGTTCAGGAAAATGACAATGGGAATGAAACAGAATCAGAGCAGCCTAAAGAATCAA[A>G]TGAAAACCAAGAGAAAGAGGCAGAAAAAACTATTGATTCTGAAAAGGACCTATTAGATGA-3'
Protein context (NP_000029.2, residues 1536-1556): ETESEQPKES[Asn1546Ser]ENQEKEAEKT

ClinVar aggregate classification (germline): Uncertain significance (1 of 4 stars; one submission).

Conditions:
Familial adenomatous polyposis 1 (FAP1). Also called: POLYPOSIS, ADENOMATOUS INTESTINAL; FAMILIAL ADENOMATOUS POLYPOSIS 1, ATTENUATED. Identifiers: MedGen C2713442, MONDO:0021056, OMIM 175100. Disease mechanism: loss of function.

Submission:

Labcorp Genetics (formerly Invitae), Labcorp
Classification: Uncertain significance for Familial adenomatous polyposis 1. Last evaluated: 2022-09-24. Review status: criteria provided, single submitter. Criteria: Invitae Variant Classification Sherloc (09022015). Collection method: clinical testing. Allele origin: germline.
Comment: In summary, the available evidence is currently insufficient to determine the role of this variant in disease. Therefore, it has been classified as a Variant of Uncertain Significance. Advanced modeling of protein sequence and biophysical properties (such as structural, functional, and spatial information, amino acid conservation, physicochemical variation, residue mobility, and thermodynamic stability) performed at Invitae indicates that this missense variant is not expected to disrupt APC protein function. This variant has not been reported in the literature in individuals affected with APC-related conditions. This variant is not present in population databases (gnomAD no frequency). This sequence change replaces asparagine, which is neutral and polar, with serine, which is neutral and polar, at codon 1546 of the APC protein (p.Asn1546Ser).